The following is an entry in ClinVar:

ClinVar aggregate classification (germline): Uncertain significance (1 of 4 stars; one submission).

Conditions:
Myopathy, proximal, and ophthalmoplegia (CMYO6). Also called: MYOPATHY WITH CONGENITAL JOINT CONTRACTURES, OPHTHALMOPLEGIA, AND RIMMED VACUOLES; INCLUSION BODY MYOPATHY 3, AUTOSOMAL DOMINANT; CONGENITAL MYOPATHY 6 WITH OPHTHALMOPLEGIA. Identifiers: Orphanet 363677, Orphanet 79091, MedGen C1854106, MONDO:0011577, OMIM 605637.

Submission:

Labcorp Genetics (formerly Invitae), Labcorp
Classification: Uncertain significance for Myopathy, proximal, and ophthalmoplegia. Last evaluated: 2022-02-03. Review status: criteria provided, single submitter. Criteria: Invitae Variant Classification Sherloc (09022015). Collection method: clinical testing. Allele origin: germline.
Comment: In summary, the available evidence is currently insufficient to determine the role of this variant in disease. Therefore, it has been classified as a Variant of Uncertain Significance. Algorithms developed to predict the effect of missense changes on protein structure and function are either unavailable or do not agree on the potential impact of this missense change (SIFT: "Deleterious"; PolyPhen-2: "Benign"; Align-GVGD: "Class C0"). ClinVar contains an entry for this variant (Variation ID: 836386). This variant has not been reported in the literature in individuals affected with MYH2-related conditions. This variant is not present in population databases (gnomAD no frequency). This sequence change replaces alanine, which is neutral and non-polar, with valine, which is neutral and non-polar, at codon 1493 of the MYH2 protein (p.Ala1493Val).

NM_017534.6(MYH2):c.4478C>T (p.Ala1493Val)

Genes: MYHAS (myosin heavy chain gene cluster antisense RNA; plus strand), MYH2 (myosin heavy chain 2; minus strand), LOC126862500 (BRD4-independent group 4 enhancer GRCh37_chr17:10427829-10429028; plus strand). Cytogenetic location: 17p13.1.
Variant type: single nucleotide variant.
Coding change: c.4478C>T on transcript NM_017534.6 (MANE Select); coding-DNA position 4478, C replaced by T.
Protein change: p.Ala1493Val; replaces alanine 1493 with valine.
Molecular consequence: missense variant.
Genome position (GRCh38, 1-based): chr17:10,525,510, G>A on the plus strand (C>T on the coding strand, the complement: MYH2 is on the minus strand). VCF-style: chr17-10525510-G-A. GRCh37 (hg19) VCF-style: chr17-10428827-G-A.
Other names: c.4478C>T, p.Ala1493Val (NM_001100112.2); short protein forms A1493V.
Identifiers: ClinVar variation 836386 (VCV000836386.7), dbSNP rs1034624770, ClinGen allele CA398125724.